The following is an entry in ClinVar:

NM_000113.3(TOR1A):c.314G>A (p.Gly105Asp)

Gene: TOR1A (torsin family 1 member A; minus strand). Cytogenetic location: 9q34.11.
Variant type: single nucleotide variant.
Coding change: c.314G>A on transcript NM_000113.3 (MANE Select); coding-DNA position 314, G replaced by A.
Protein change: p.Gly105Asp; replaces glycine 105 with aspartic acid.
Molecular consequence: missense variant.
Genome position (GRCh38, 1-based): chr9:129,822,711, C>T on the plus strand (G>A on the coding strand, the complement: TOR1A is on the minus strand). VCF-style: chr9-129822711-C-T. GRCh37 (hg19) VCF-style: chr9-132584990-C-T.
Other names: short protein forms G105D.
Identifiers: ClinVar variation 4740894 (VCV004740894.1).
Genomic context (GRCh38, chr9:129,822,711, plus strand): 5'-TTCAGACCACCCTCGTAAATATTCTCTGCGATGATCTTGCTGACGAAATTTTTGCCGGTG[C>T]CTGTCCACCCGTGCAGGGAGAGCGTGAGAGGTTTCTTGGGCTTTGGGTTGTTTATGAAAC-3'
Protein context (NP_000104.1, residues 95-115): PLTLSLHGWT[Gly105Asp]TGKNFVSKII

ClinVar aggregate classification (germline): Uncertain significance (1 of 4 stars; one submission).

Conditions:
Dystonic disorder. Also called: Dystonia. Identifiers: MedGen C0013421, MONDO:0003441, HP:0001332.

gnomAD v4.1: 1 of 1,614,168 alleles (0.000062%); highest among the groups gnomAD compares: Non-Finnish European, 0.000085%; no homozygotes.

Submission:

Labcorp Genetics (formerly Invitae), Labcorp
Classification: Uncertain significance for Dystonic disorder. Last evaluated: 2025-02-26. Review status: criteria provided, single submitter. Criteria: Invitae Variant Classification Sherloc (09022015). Collection method: clinical testing. Allele origin: germline.
Comment: This sequence change replaces glycine, which is neutral and non-polar, with aspartic acid, which is acidic and polar, at codon 105 of the TOR1A protein (p.Gly105Asp). This variant is not present in population databases (gnomAD no frequency). This variant has not been reported in the literature in individuals affected with TOR1A-related conditions. Invitae Evidence Modeling of protein sequence and biophysical properties (such as structural, functional, and spatial information, amino acid conservation, physicochemical variation, residue mobility, and thermodynamic stability) indicates that this missense variant is expected to disrupt TOR1A protein function with a positive predictive value of 80%. In summary, the available evidence is currently insufficient to determine the role of this variant in disease. Therefore, it has been classified as a Variant of Uncertain Significance.